The following is an entry in ClinVar:

NM_005591.4(MRE11):c.1705G>A (p.Gly569Arg)

Gene: MRE11 (MRE11 double strand break repair nuclease; minus strand). Cytogenetic location: 11q21.
Variant type: single nucleotide variant.
Coding change: c.1705G>A on transcript NM_005591.4 (MANE Select); coding-DNA position 1705, G replaced by A.
Protein change: p.Gly569Arg; replaces glycine 569 with arginine.
Molecular consequence: missense variant.
Genome position (GRCh38, 1-based): chr11:94,447,297, C>T on the plus strand (G>A on the coding strand, the complement: MRE11 is on the minus strand). VCF-style: chr11-94447297-C-T. GRCh37 (hg19) VCF-style: chr11-94180463-C-T.
Other names: c.1705G>A, p.Gly569Arg (NM_001330347.2, NM_005590.4); short protein forms G569R.
Identifiers: ClinVar variation 819848 (VCV000819848.5), dbSNP rs867533770, ClinGen allele CA226524512.

ClinVar aggregate classification (germline): Uncertain significance. Review status: criteria provided, multiple submitters, no conflicts (2 of 4 stars). 2 submissions from 2 submitters: Uncertain significance (2). Last evaluated 2024-01-18.

Conditions:
Ataxia-telangiectasia-like disorder 1 (ATLD1). Identifiers: Orphanet 251347, MedGen C4012790, MONDO:0024557, OMIM 604391.
Hereditary cancer-predisposing syndrome. Also called: Neoplastic Syndromes, Hereditary; Tumor predisposition; Hereditary Cancer Syndrome; Hereditary neoplastic syndrome. Identifiers: Orphanet 140162, MedGen C0027672, MeSH D009386, MONDO:0015356.

Allele frequency attached by ClinVar (database versions not stated): gnomAD exomes below 0.00001; TOPMed 0.00001.
gnomAD v4.1: 5 of 1,614,048 alleles (0.00031%); highest among the groups gnomAD compares: Middle Eastern, 0.049%; no homozygotes.

Submissions (2):

Fulgent Genetics
Classification: Uncertain significance for Ataxia-telangiectasia-like disorder 1. Last evaluated: 2024-01-18. Review status: criteria provided, single submitter. Criteria: ACMG Guidelines, 2015. Collection method: clinical testing. Allele origin: germline.

Ambry Genetics
Classification: Uncertain significance for Hereditary cancer-predisposing syndrome. Last evaluated: 2022-04-26. Review status: criteria provided, single submitter. Criteria: Ambry Variant Classification Scheme 2023. Collection method: clinical testing. Allele origin: germline.
Comment: The p.G569R variant (also known as c.1705G>A), located in coding exon 14 of the MRE11A gene, results from a G to A substitution at nucleotide position 1705. The glycine at codon 569 is replaced by arginine, an amino acid with dissimilar properties. This amino acid position is highly conserved in available vertebrate species. In addition, the in silico prediction for this alteration is inconclusive. Since supporting evidence is limited at this time, the clinical significance of this alteration remains unclear.